The following is an entry in ClinVar:

ClinVar aggregate classification (germline): Uncertain significance (1 of 4 stars; one submission).

Conditions:
Juvenile polyposis syndrome (JPS). Identifiers: Orphanet 2929, MedGen C0345893, MONDO:0017380, OMIM 174900.

Submission:

Labcorp Genetics (formerly Invitae), Labcorp
Classification: Uncertain significance for Juvenile polyposis syndrome. Last evaluated: 2022-08-26. Review status: criteria provided, single submitter. Criteria: Invitae Variant Classification Sherloc (09022015). Collection method: clinical testing. Allele origin: germline.
Comment: This sequence change replaces glutamine, which is neutral and polar, with leucine, which is neutral and non-polar, at codon 109 of the BMPR1A protein (p.Gln109Leu). In summary, the available evidence is currently insufficient to determine the role of this variant in disease. Therefore, it has been classified as a Variant of Uncertain Significance. Advanced modeling of protein sequence and biophysical properties (such as structural, functional, and spatial information, amino acid conservation, physicochemical variation, residue mobility, and thermodynamic stability) performed at Invitae indicates that this missense variant is expected to disrupt BMPR1A protein function. This variant has not been reported in the literature in individuals affected with BMPR1A-related conditions. This variant is not present in population databases (gnomAD no frequency).

NM_004329.3(BMPR1A):c.326A>T (p.Gln109Leu)

Gene: BMPR1A (bone morphogenetic protein receptor type 1A; plus strand). Cytogenetic location: 10q23.2.
Variant type: single nucleotide variant.
Coding change: c.326A>T on transcript NM_004329.3 (MANE Select); coding-DNA position 326, A replaced by T.
Protein change: p.Gln109Leu; replaces glutamine 109 with leucine.
Molecular consequence: missense variant.
Genome position (GRCh38, 1-based): chr10:86,892,222, A>T. VCF-style: chr10-86892222-A-T. GRCh37 (hg19) VCF-style: chr10-88651979-A-T.
Other names: c.326A>T, p.Gln109Leu (NM_001406568.1, NM_001406572.1, NM_001406569.1 and 23 more transcripts); c.242A>T, p.Gln81Leu (NM_001406584.1, NM_001406585.1, NM_001406586.1 and 2 more transcripts); short protein forms Q109L, Q81L.
Identifiers: ClinVar variation 1718072 (VCV001718072.6), dbSNP rs2539446655, ClinGen allele CA377448365.
Genomic context (GRCh38, chr10:86,892,222, plus strand): 5'-ATGACCAGGGAGAAACCACATTAGCTTCAGGGTGTATGAAATATGAAGGATCTGATTTTC[A>T]GTGCAAAGTAAGATATAATTTGGGACCCATGAGACAAAGAAGGGAGGGGCCATATGAAAG-3'
Protein context (NP_004320.2, residues 99-119): GCMKYEGSDF[Gln109Leu]CKDSPKAQLR